The following is an entry in ClinVar:

ClinVar aggregate classification (germline): Pathogenic/Likely pathogenic. Review status: criteria provided, multiple submitters, no conflicts (2 of 4 stars). 2 submissions from 2 submitters: Pathogenic (1); Likely pathogenic (1). Last evaluated 2024-06-07.

Conditions:
Mucopolysaccharidosis, MPS-II (MPS2). Also called: Mucopolysaccharidosis type 2; Mucopolysaccharidosis with skin involvement; IDS deficiency; Sulfoiduronate sulfatase deficiency; SIDS deficiency; Attenuated MPS (subtype; formerly known as mild MPS II). Identifiers: Orphanet 580, Orphanet 79388, MedGen C0026705, MONDO:0010674, OMIM 309900.

Submissions (2):

Laboratory of Diagnosis and Therapy of Lysosomal Disorders, University of Padova
Classification: Likely pathogenic for Mucopolysaccharidosis, MPS-II. Last evaluated: 2024-06-07. Review status: criteria provided, single submitter. Criteria: ACMG Guidelines, 2015. Collection method: literature only. Allele origin: germline. Affected: yes. Observed: 6 variant alleles.
Comment: Prevalence of the variant significantly increased in affected individuals compared with controls (PS4_Supporting), Absent from controls (or at low frequency) in gnomAD database (PM2_Moderate), Missense variant in a gene with a low rate of benign missense variation (PP2_Supporting), Multiple lines of computational evidence support a deleterious effect (PP3_Supporting), Patient’s phenotype or family history highly specific for the disease (PP4_Strong)

Classification method: ACMG Guidelines [PMID:25741868] with modifications

Eurofins Ntd Llc (ga)
Classification: Pathogenic. Last evaluated: 2013-09-25. Review status: criteria provided, single submitter. Criteria: EGL Classification Definitions. Collection method: clinical testing. Allele origin: germline. Observed: 1 variant allele, 1 heterozygote.

Literature cited by the submitters: PubMed 9501270 (cited by Laboratory of Diagnosis and Therapy of Lysosomal Disorders, University of Padova); PubMed 7887413 (cited by Laboratory of Diagnosis and Therapy of Lysosomal Disorders, University of Padova); PubMed 9921913 (cited by Laboratory of Diagnosis and Therapy of Lysosomal Disorders, University of Padova); PubMed 33676511 (cited by Laboratory of Diagnosis and Therapy of Lysosomal Disorders, University of Padova); PubMed 36945845 (cited by Laboratory of Diagnosis and Therapy of Lysosomal Disorders, University of Padova).

NM_000202.8(IDS):c.587T>C (p.Leu196Ser)

Genes: IDS (iduronate 2-sulfatase; minus strand), LOC106050102 (IDS recombination region; plus strand). Cytogenetic location: Xq28.
Variant type: single nucleotide variant.
Coding change: c.587T>C on transcript NM_000202.8 (MANE Select); coding-DNA position 587, T replaced by C.
Protein change: p.Leu196Ser; replaces leucine 196 with serine.
Molecular consequence: missense variant. On other transcripts: non-coding transcript variant (1).
Genome position (GRCh38, 1-based): chrX:149,498,228, A>G on the plus strand (T>C on the coding strand, the complement: IDS is on the minus strand). VCF-style: chrX-149498228-A-G. GRCh37 (hg19) VCF-style: chrX-148579759-A-G.
Other names: c.317T>C, p.Leu106Ser (NM_001166550.4); c.587T>C, p.Leu196Ser (NM_006123.5); short protein forms L196S, L106S.
Identifiers: ClinVar variation 92620 (VCV000092620.8), dbSNP rs398123250, ClinGen allele CA220495.